The following is an entry in ClinVar:

ClinVar aggregate classification (germline): Uncertain significance (1 of 4 stars; one submission).

Conditions:
Hereditary cancer-predisposing syndrome. Also called: Neoplastic Syndromes, Hereditary; Tumor predisposition; Hereditary neoplastic syndrome; Hereditary Cancer Syndrome. Identifiers: Orphanet 140162, MedGen C0027672, MeSH D009386, MONDO:0015356.

Submission:

Ambry Genetics
Classification: Uncertain significance for Hereditary cancer-predisposing syndrome. Last evaluated: 2026-07-07. Review status: criteria provided, single submitter. Criteria: Ambry Variant Classification Scheme 2023. Collection method: clinical testing. Allele origin: germline.
Comment: The p.V142A variant (also known as c.425T>C), located in coding exon 2 of the PHOX2B gene, results from a T to C substitution at nucleotide position 425. The valine at codon 142 is replaced by alanine, an amino acid with similar properties. This amino acid position is conserved. In addition, this alteration is predicted to be deleterious by in silico analysis. Based on the available evidence, the clinical significance of this variant remains unclear.

NM_003924.4(PHOX2B):c.425T>C (p.Val142Ala)

Gene: PHOX2B (paired like homeobox 2B; minus strand). Cytogenetic location: 4p13.
Variant type: single nucleotide variant.
Coding change: c.425T>C on transcript NM_003924.4 (MANE Select); coding-DNA position 425, T replaced by C.
Protein change: p.Val142Ala; replaces valine 142 with alanine.
Molecular consequence: missense variant.
Genome position (GRCh38, 1-based): chr4:41,747,353, A>G on the plus strand (T>C on the coding strand, the complement: PHOX2B is on the minus strand). VCF-style: chr4-41747353-A-G. GRCh37 (hg19) VCF-style: chr4-41749370-A-G.
Other names: short protein forms V142A.
Identifiers: ClinVar variation 5026622 (VCV005026622.1).